The following is an entry in ClinVar:

ClinVar aggregate classification (germline): Uncertain significance (0 of 4 stars; one submission).

Conditions:
PLXNA3-related disorder. Also called: PLXNA3-related condition.

Submission:

PreventionGenetics, part of Exact Sciences
Classification: Uncertain significance for PLXNA3-related condition. Last evaluated: 2024-07-17. Review status: no assertion criteria provided. Collection method: clinical testing. Allele origin: germline.
Comment: The PLXNA3 c.4465G>T variant is predicted to result in the amino acid substitution p.Gly1489Cys. To our knowledge, this variant has not been reported in the literature or in a large population database, indicating this variant is rare. At this time, the clinical significance of this variant is uncertain due to the absence of conclusive functional and genetic evidence.

NM_017514.5(PLXNA3):c.4465G>T (p.Gly1489Cys)

Gene: PLXNA3 (plexin A3; plus strand). Cytogenetic location: Xq28.
Variant type: single nucleotide variant.
Coding change: c.4465G>T on transcript NM_017514.5 (MANE Select); coding-DNA position 4465, G replaced by T.
Protein change: p.Gly1489Cys; replaces glycine 1489 with cysteine.
Molecular consequence: missense variant.
Genome position (GRCh38, 1-based): chrX:154,469,086, G>T. VCF-style: chrX-154469086-G-T. GRCh37 (hg19) VCF-style: chrX-153697429-G-T.
Other names: short protein forms G1489C.
Identifiers: ClinVar variation 3347762 (VCV003347762.1).